The following is an entry in ClinVar:

ClinVar aggregate classification (germline): Likely pathogenic (0 of 4 stars; one submission).

Conditions:
Keratosis follicularis (DAR). Also called: Darier disease; Darier's disease. Identifiers: Orphanet 218, MedGen C0022595, MONDO:0007417, OMIM 124200.

Submission:

Medical Genetics Unit, Mauro Baschirotto Institute for Rare Disease
Classification: Likely pathogenic for Keratosis follicularis. Last evaluated: 2024-06-07. Review status: no assertion criteria provided. Collection method: provider interpretation. Allele origin: germline. Affected: yes. Observed: 1 variant allele.
Comment: The c.169_171T[5] variant has not been published as a pathogenic variant, nor has it been reported as a benign variant to our knowledge. This variant causes a frameshift starting with codon Glu 58, changes this amino acid to a Leu residue and creates a premature Stop codon at position 5 of the new reading frame, denoted p.Glu58Leufs*5.To our knowledge, this variant has not been reported in the literature or in a large population database, indicating this variant is rare. This variant occurs in M1-domain. This small duplication gives rise to a frameshift resulting in a premature stop codon and protein truncation. According to Franklin by genoox ACMG classification this null mutation results in a loss of function which is a known mechanism of disease (PVS1 very strong). Therefore, this variant is classified likely pathogenic.

NM_170665.4(ATP2A2):c.170_171dup (p.Glu58fs)

Gene: ATP2A2 (ATPase sarcoplasmic/endoplasmic reticulum Ca2+ transporting 2; plus strand). Cytogenetic location: 12q24.11.
Variant type: Duplication.
Coding change: c.170_171dup on transcript NM_170665.4 (MANE Select); coding-DNA positions 170 to 171, 2 bases duplicated (TT; older notation c.170_171dupTT).
Protein change: p.Glu58fs; shifts the reading frame from glutamic acid 58.
Molecular consequence: frameshift variant. On other transcripts: 5 prime UTR variant (1).
Genome position (GRCh38, 1-based): chr12:110,282,746-110,282,747, TT duplicated; duplicating any 2 consecutive bases within chr12:110,282,745-110,282,747 gives the same sequence; the c. name uses the placement nearest the transcript's 3' end. VCF-style (leftmost placement, unchanged base first): chr12-110282744-G-GTT. GRCh37 (hg19) VCF-style: chr12-110720549-G-GTT.
Other names: c.169_171T[5] (NM_170665.4); c.170_171dup, p.Glu58fs (NM_001413013.1, NM_001413014.1, NM_001681.4); c.-206_-205dup (NM_001413015.1); short protein forms E58fs.
Identifiers: ClinVar variation 3359254 (VCV003359254.2).